The following is an entry in ClinVar:

NM_003560.4(PLA2G6):c.426-6C>T

Gene: PLA2G6 (phospholipase A2 group VI; minus strand). Cytogenetic location: 22q13.1.
Variant type: single nucleotide variant.
Coding change: c.426-6C>T on transcript NM_003560.4 (MANE Select); 6 bases into the intron before coding-DNA position 426, C replaced by T.
Molecular consequence: intron variant.
Genome position (GRCh38, 1-based): chr22:38,143,294, G>A on the plus strand (C>T on the coding strand, the complement: PLA2G6 is on the minus strand). VCF-style: chr22-38143294-G-A. GRCh37 (hg19) VCF-style: chr22-38539301-G-A.
Other names: p.?; c.-65-6C>T (NM_001349868.2); c.426-6C>T (NM_001349866.2, NM_001199562.3, NM_001349865.2 and 2 more transcripts); c.-109-6C>T (NM_001349869.2, NM_001349867.2).
Identifiers: ClinVar variation 2960777 (VCV002960777.4), dbSNP rs1383658956, ClinGen allele CA639396044.
Genomic context (GRCh38, chr22:38,143,294, plus strand): 5'-GCAGGCCAGGTGCAGGGGTGTGCAGCCCTCCTCGTTCTCCGCGCAATTGGCACAGCTGCA[G>A]GAGAGGGCCAGGGTGAGCAGAGGTGAGCAGGTGTGGTACAAGGTGGCAGGGGGACCTAAG-3'

ClinVar aggregate classification (germline): Likely benign. Review status: criteria provided, multiple submitters, no conflicts (2 of 4 stars). 2 submissions from 2 submitters: Likely benign (2). Last evaluated 2025-02-07.

Conditions:
Infantile neuroaxonal dystrophy (NBIA2A). Also called: NEURODEGENERATION WITH BRAIN IRON ACCUMULATION 2A; SEITELBERGER DISEASE; Infantile neuroaxonal dystrophy 1. Identifiers: Orphanet 35069, MedGen C0270724, MONDO:0024457, OMIM 256600.

Allele frequency attached by ClinVar (database versions not stated): TOPMed below 0.00001; gnomAD exomes 0.00001; gnomAD 0.00001.
gnomAD v4.1: 19 of 1,610,042 alleles (0.0012%); highest among the groups gnomAD compares: Non-Finnish European, 0.0014%; no homozygotes.

Submissions (2):

Mayo Clinic Laboratories, Mayo Clinic
Classification: Likely benign. Last evaluated: 2025-02-07. Review status: criteria provided, single submitter. Criteria: ACMG Guidelines, 2015. Collection method: clinical testing. Allele origin: germline. Observed: 2 variant alleles.
Comment: BP4, BP7

Labcorp Genetics (formerly Invitae), Labcorp
Classification: Likely benign for Infantile neuroaxonal dystrophy. Last evaluated: 2023-12-02. Review status: criteria provided, single submitter. Criteria: Invitae Variant Classification Sherloc (09022015). Collection method: clinical testing. Allele origin: germline.